The following is an entry in ClinVar:

ClinVar aggregate classification (germline): Pathogenic (1 of 4 stars; one submission).

Conditions:
Cardiovascular phenotype. Identifiers: MedGen CN230736.
Hereditary cancer-predisposing syndrome. Also called: Hereditary Cancer Syndrome; Hereditary neoplastic syndrome; Neoplastic Syndromes, Hereditary; Tumor predisposition. Identifiers: Orphanet 140162, MedGen C0027672, MeSH D009386, MONDO:0015356.

Submission:

Ambry Genetics
Classification: Pathogenic for Cardiovascular phenotype; Hereditary cancer-predisposing syndrome. Last evaluated: 2022-06-06. Review status: criteria provided, single submitter. Criteria: Ambry Variant Classification Scheme 2023. Collection method: clinical testing. Allele origin: germline.
Comment: The c.4623_4624dupTA variant, located in coding exon 34 of the NF1 gene, results from a duplication of TA at nucleotide position 4623, causing a translational frameshift with a predicted alternate stop codon (p.N1542Ifs*12). This alteration is expected to result in loss of function by premature protein truncation or nonsense-mediated mRNA decay. As such, this alteration is interpreted as a disease-causing mutation.

NM_001042492.3(NF1):c.4686_4687dup (p.Asn1563fs)

Gene: NF1 (neurofibromin 1; plus strand). Cytogenetic location: 17q11.2.
Variant type: Duplication.
Coding change: c.4686_4687dup on transcript NM_001042492.3 (MANE Select); coding-DNA positions 4686 to 4687, 2 bases duplicated (TA; older notation c.4686_4687dupTA).
Protein change: p.Asn1563fs; shifts the reading frame from asparagine 1563.
Molecular consequence: frameshift variant.
Genome position (GRCh38, 1-based): chr17:31,261,819-31,261,820, TA duplicated. VCF-style (leftmost placement, unchanged base first): chr17-31261818-T-TTA. GRCh37 (hg19) VCF-style: chr17-29588836-T-TTA.
Other names: c.4623_4624dupTA (NM_000267.3); c.4623_4624dup, p.Asn1542Ilefs (NM_000267.4); short protein forms N1542fs, N1563fs.
Identifiers: ClinVar variation 1741967 (VCV001741967.2), dbSNP rs2508430515, ClinGen allele CA2580093305.